The following is an entry in ClinVar:

ClinVar aggregate classification (germline): Uncertain significance. Review status: criteria provided, multiple submitters, no conflicts (2 of 4 stars). 4 submissions from 4 submitters: Uncertain significance (4). Last evaluated 2025-12-15.

Conditions:
Congenital dyserythropoietic anemia, type I. Also called: Dyserythropoietic anemia, congenital type 1. Identifiers: Orphanet 98869, MedGen C0271933, MONDO:0020337. Disease mechanism: loss of function.
Anemia, congenital dyserythropoietic, type 1a (CDAN1A). Also called: CDAN1-Related Congenital Dyserythropoietic Anemia; DYSERYTHROPOIETIC ANEMIA, CONGENITAL, TYPE Ia. Identifiers: MedGen C5574667, MONDO:0009135, OMIM 224120.

Allele frequency attached by ClinVar (database versions not stated): ExAC 0.00004; gnomAD 0.00004; gnomAD exomes 0.00004 and 0.00008; TOPMed 0.00010.
gnomAD v4.1: 118 of 1,614,080 alleles (0.0073%); highest among the groups gnomAD compares: Non-Finnish European, 0.0097%; no homozygotes.

Submissions (4):

Labcorp Genetics (formerly Invitae), Labcorp
Classification: Uncertain significance. Last evaluated: 2025-12-15. Review status: criteria provided, single submitter. Criteria: Invitae Variant Classification Sherloc (09022015). Collection method: clinical testing. Allele origin: germline.
Comment: This sequence change replaces proline, which is neutral and non-polar, with serine, which is neutral and polar, at codon 1073 of the CDAN1 protein (p.Pro1073Ser). This variant is present in population databases (rs776881666, gnomAD 0.006%). This variant has not been reported in the literature in individuals affected with CDAN1-related conditions. ClinVar contains an entry for this variant (Variation ID: 885086). An algorithm developed to predict the effect of missense changes on protein structure and function (PolyPhen-2) suggests that this variant is likely to be tolerated. In summary, the available evidence is currently insufficient to determine the role of this variant in disease. Therefore, it has been classified as a Variant of Uncertain Significance.

Revvity Omics, Revvity
Classification: Uncertain significance for Anemia, congenital dyserythropoietic, type 1a. Last evaluated: 2023-08-11. Review status: criteria provided, single submitter. Criteria: ACMG Guidelines, 2015. Collection method: clinical testing. Allele origin: germline.

GeneDx
Classification: Uncertain significance. Last evaluated: 2019-09-27. Review status: criteria provided, single submitter. Criteria: GeneDx Variant Classification Process June 2021. Collection method: clinical testing. Allele origin: germline. Affected: yes.
Comment: Has not been previously published as pathogenic or benign to our knowledge; In silico analysis, which includes protein predictors and evolutionary conservation, supports that this variant does not alter protein structure/function

Illumina Laboratory Services, Illumina
Classification: Uncertain significance for Anemia, congenital dyserythropoietic, type 1a. Last evaluated: 2018-01-13. Review status: criteria provided, single submitter. Criteria: ICSL Variant Classification Criteria 13 December 2019. Collection method: clinical testing. Allele origin: germline.

NM_138477.4(CDAN1):c.3217C>T (p.Pro1073Ser)

Gene: CDAN1 (codanin 1; minus strand). Cytogenetic location: 15q15.2.
Variant type: single nucleotide variant.
Coding change: c.3217C>T on transcript NM_138477.4 (MANE Select); coding-DNA position 3217, C replaced by T.
Protein change: p.Pro1073Ser; replaces proline 1073 with serine.
Molecular consequence: missense variant.
Genome position (GRCh38, 1-based): chr15:42,726,148, G>A on the plus strand (C>T on the coding strand, the complement: CDAN1 is on the minus strand). VCF-style: chr15-42726148-G-A. GRCh37 (hg19) VCF-style: chr15-43018346-G-A.
Other names: short protein forms P1073S.
Identifiers: ClinVar variation 885086 (VCV000885086.8), dbSNP rs776881666, ClinGen allele CA7515217.